The following is an entry in ClinVar:

NM_030665.4(RAI1):c.5606G>A (p.Cys1869Tyr)

Gene: RAI1 (retinoic acid induced 1; plus strand). Cytogenetic location: 17p11.2.
Variant type: single nucleotide variant.
Coding change: c.5606G>A on transcript NM_030665.4 (MANE Select); coding-DNA position 5606, G replaced by A.
Protein change: p.Cys1869Tyr; replaces cysteine 1869 with tyrosine.
Molecular consequence: missense variant.
Genome position (GRCh38, 1-based): chr17:17,803,796, G>A. VCF-style: chr17-17803796-G-A. GRCh37 (hg19) VCF-style: chr17-17707110-G-A.
Other names: short protein forms C1869Y.
Identifiers: ClinVar variation 4991618 (VCV004991618.1).

ClinVar aggregate classification (germline): Uncertain significance (1 of 4 stars; one submission).

Conditions:
RAI1-related disorder. Also called: RAI1-related condition.

Submission:

PreventionGenetics, part of Exact Sciences
Classification: Uncertain significance for RAI1-related condition. Last evaluated: 2026-03-22. Review status: criteria provided, single submitter. Criteria: ACMG Guidelines, 2015. Collection method: clinical testing. Allele origin: germline.
Comment: The RAI1 c.5606G>A variant is predicted to result in the amino acid substitution p.Cys1869Tyr. To our knowledge, this variant has not been reported in the literature or in a large population database (gnomAD), indicating this variant is rare. At this time, the clinical significance of this variant is uncertain due to the absence of conclusive functional and genetic evidence.